The following is an entry in ClinVar:

ClinVar aggregate classification (germline): Uncertain significance (1 of 4 stars; one submission).

Conditions:
Aicardi-Goutieres syndrome 2. Identifiers: Orphanet 51, MedGen C3489724, MONDO:0012429, OMIM 610181.

Allele frequency attached by ClinVar (database versions not stated): gnomAD exomes 0.00001; ExAC 0.00004; gnomAD 0.00010.
gnomAD v4.1: 29 of 1,609,424 alleles (0.0018%); highest among the groups gnomAD compares: African/African-American, 0.027%; no homozygotes.

Submission:

Labcorp Genetics (formerly Invitae), Labcorp
Classification: Uncertain significance for Aicardi-Goutieres syndrome 2. Last evaluated: 2023-04-13. Review status: criteria provided, single submitter. Criteria: Invitae Variant Classification Sherloc (09022015). Collection method: clinical testing. Allele origin: germline.
Comment: In summary, the available evidence is currently insufficient to determine the role of this variant in disease. Therefore, it has been classified as a Variant of Uncertain Significance. An algorithm developed to predict the effect of missense changes on protein structure and function (PolyPhen-2) suggests that this variant¬† is likely to be tolerated. This variant has not been reported in the literature in individuals affected with RNASEH2B-related conditions. This variant is present in population databases (rs762258182, gnomAD 0.03%). This sequence change replaces glutamic acid, which is acidic and polar, with aspartic acid, which is acidic and polar, at codon 206 of the RNASEH2B protein (p.Glu206Asp).

NM_024570.4(RNASEH2B):c.618G>T (p.Glu206Asp)

Gene: RNASEH2B (ribonuclease H2 subunit B; plus strand). Cytogenetic location: 13q14.3.
Variant type: single nucleotide variant.
Coding change: c.618G>T on transcript NM_024570.4 (MANE Select); coding-DNA position 618, G replaced by T.
Protein change: p.Glu206Asp; replaces glutamic acid 206 with aspartic acid.
Molecular consequence: missense variant.
Genome position (GRCh38, 1-based): chr13:50,947,988, G>T. VCF-style: chr13-50947988-G-T. GRCh37 (hg19) VCF-style: chr13-51522124-G-T.
Other names: c.618G>T, p.Glu206Asp (NM_001142279.2, NM_001411023.1); short protein forms E206D.
Identifiers: ClinVar variation 2715102 (VCV002715102.1), dbSNP rs762258182, ClinGen allele CA6985647.